The following is an entry in ClinVar:

ClinVar aggregate classification (germline): Pathogenic. Review status: criteria provided, multiple submitters, no conflicts (2 of 4 stars). 2 submissions from 2 submitters: Pathogenic (2). Last evaluated 2024-02-07.

Conditions:
Hereditary cancer-predisposing syndrome. Also called: Neoplastic Syndromes, Hereditary; Tumor predisposition; Hereditary Cancer Syndrome; Hereditary neoplastic syndrome. Identifiers: Orphanet 140162, MedGen C0027672, MeSH D009386, MONDO:0015356.
Cardiovascular phenotype. Identifiers: MedGen CN230736.
LZTR1-related schwannomatosis. Also called: Schwannomatosis 2; Schwannomatosis-2, susceptibility to. Identifiers: Orphanet 93921, MedGen C3810283, MONDO:0014299, OMIM 615670.

Submissions (2):

3billion
Classification: Pathogenic for LZTR1-related schwannomatosis. Last evaluated: 2024-02-07. Review status: criteria provided, single submitter. Criteria: ACMG Guidelines, 2015. Collection method: clinical testing. Allele origin: germline. Affected: yes.
Comment: The variant is not observed in the gnomAD v2.1.1 dataset. Predicted Consequence/Location: Frameshift: predicted to result in a loss or disruption of normal protein function through nonsense-mediated decay (NMD) or protein truncation. Multiple pathogenic variants are reported downstream of the variant. The variant has been reported to be associated with LZTR1 related disorder (ClinVar ID: VCV001758501). Therefore, this variant is classified as Likely Pathogenic according to the recommendation of ACMG/AMP guideline.

Ambry Genetics
Classification: Pathogenic for Cardiovascular phenotype; Hereditary cancer-predisposing syndrome. Last evaluated: 2021-05-07. Review status: criteria provided, single submitter. Criteria: Ambry Variant Classification Scheme 2023. Collection method: clinical testing. Allele origin: germline.
Comment: The c.735dupG pathogenic mutation, located in coding exon 8 of the LZTR1 gene, results from a duplication of G at nucleotide position 735, causing a translational frameshift with a predicted alternate stop codon (p.Q246Afs*14). This alteration is expected to result in loss of function by premature protein truncation or nonsense-mediated mRNA decay. Based on the supporting evidence, this variant is pathogenic for an increased risk of nerve sheath tumors and would be expected to cause autosomal recessive Noonan syndrome when present along with a second pathogenic or likely pathogenic variant on the other allele.

NM_006767.4(LZTR1):c.735dup (p.Gln246fs)

Gene: LZTR1 (leucine zipper like post translational regulator 1; plus strand). Cytogenetic location: 22q11.21.
Variant type: Duplication.
Coding change: c.735dup on transcript NM_006767.4 (MANE Select); coding-DNA position 735, one base duplicated (G; older notation c.735dupG).
Protein change: p.Gln246fs; shifts the reading frame from glutamine 246.
Molecular consequence: frameshift variant.
Genome position (GRCh38, 1-based): chr22:20,990,469, G duplicated; the last of 3 consecutive G bases (chr22:20,990,467-20,990,469); duplicating any one gives the same sequence. VCF-style (leftmost placement, unchanged base first): chr22-20990466-T-TG. GRCh37 (hg19) VCF-style: chr22-21344755-T-TG.
Other names: short protein forms Q246fs.
Identifiers: ClinVar variation 1758501 (VCV001758501.3), dbSNP rs2518615810, ClinGen allele CA2580099204.